The following is an entry in ClinVar:

ClinVar aggregate classification (germline): Uncertain significance (1 of 4 stars; one submission).

Submission:

Labcorp Genetics (formerly Invitae), Labcorp
Classification: Uncertain significance. Last evaluated: 2024-04-09. Review status: criteria provided, single submitter. Criteria: Invitae Variant Classification Sherloc (09022015). Collection method: clinical testing. Allele origin: germline.
Comment: This sequence change replaces asparagine, which is neutral and polar, with lysine, which is basic and polar, at codon 341 of the KRT1 protein (p.Asn341Lys). This variant is not present in population databases (gnomAD no frequency). This variant has not been reported in the literature in individuals affected with KRT1-related conditions. Advanced modeling of protein sequence and biophysical properties (such as structural, functional, and spatial information, amino acid conservation, physicochemical variation, residue mobility, and thermodynamic stability) performed at Invitae indicates that this missense variant is expected to disrupt KRT1 protein function with a positive predictive value of 80%. In summary, the available evidence is currently insufficient to determine the role of this variant in disease. Therefore, it has been classified as a Variant of Uncertain Significance.

NM_006121.4(KRT1):c.1023C>G (p.Asn341Lys)

Gene: KRT1 (keratin 1; minus strand). Cytogenetic location: 12q13.13.
Variant type: single nucleotide variant.
Coding change: c.1023C>G on transcript NM_006121.4 (MANE Select); coding-DNA position 1023, C replaced by G.
Protein change: p.Asn341Lys; replaces asparagine 341 with lysine.
Molecular consequence: missense variant.
Genome position (GRCh38, 1-based): chr12:52,677,421, G>C on the plus strand (C>G on the coding strand, the complement: KRT1 is on the minus strand). VCF-style: chr12-52677421-G-C. GRCh37 (hg19) VCF-style: chr12-53071205-G-C.
Other names: short protein forms N341K.
Identifiers: ClinVar variation 3649347 (VCV003649347.2).